The following is an entry in ClinVar:

NM_000234.3(LIG1):c.164G>A (p.Arg55Lys)

Gene: LIG1 (DNA ligase 1; minus strand). Cytogenetic location: 19q13.33.
Variant type: single nucleotide variant.
Coding change: c.164G>A on transcript NM_000234.3 (MANE Select); coding-DNA position 164, G replaced by A.
Protein change: p.Arg55Lys; replaces arginine 55 with lysine.
Molecular consequence: missense variant. On other transcripts: non-coding transcript variant (6).
Genome position (GRCh38, 1-based): chr19:48,161,451, C>T on the plus strand (G>A on the coding strand, the complement: LIG1 is on the minus strand). VCF-style: chr19-48161451-C-T. GRCh37 (hg19) VCF-style: chr19-48664708-C-T.
Other names: c.74G>A, p.Arg25Lys (NM_001320971.2, NM_001289063.2); c.164G>A, p.Arg55Lys (NM_001289064.2, NM_001320970.2); short protein forms R55K, R25K.
Identifiers: ClinVar variation 1354225 (VCV001354225.6), dbSNP rs774048956, ClinGen allele CA406642941.

ClinVar aggregate classification (germline): Uncertain significance (1 of 4 stars; one submission).

gnomAD v4.1: 1 of 1,614,194 alleles (0.000062%); highest among the groups gnomAD compares: Non-Finnish European, 0.000085%; no homozygotes.

Submission:

Labcorp Genetics (formerly Invitae), Labcorp
Classification: Uncertain significance. Last evaluated: 2022-09-27. Review status: criteria provided, single submitter. Criteria: Invitae Variant Classification Sherloc (09022015). Collection method: clinical testing. Allele origin: germline.
Comment: In summary, the available evidence is currently insufficient to determine the role of this variant in disease. Therefore, it has been classified as a Variant of Uncertain Significance. Algorithms developed to predict the effect of missense changes on protein structure and function (SIFT, PolyPhen-2, Align-GVGD) all suggest that this variant is likely to be tolerated. ClinVar contains an entry for this variant (Variation ID: 1354225). This variant has not been reported in the literature in individuals affected with LIG1-related conditions. This variant is not present in population databases (gnomAD no frequency). This sequence change replaces arginine, which is basic and polar, with lysine, which is basic and polar, at codon 55 of the LIG1 protein (p.Arg55Lys).